The following is an entry in ClinVar:

ClinVar aggregate classification (germline): Uncertain significance. Review status: criteria provided, multiple submitters, no conflicts (2 of 4 stars). 6 submissions from 6 submitters: Uncertain significance (6). Last evaluated 2025-11-24.

Conditions:
Inborn genetic diseases. Identifiers: MedGen C0950123, MeSH D030342.
Microcephaly 3, primary, autosomal recessive. Identifiers: Orphanet 2512, MedGen C1858108, MONDO:0011488, OMIM 604804.

Allele frequency attached by ClinVar (database versions not stated): gnomAD exomes 0.00002 and 0.00003; ExAC 0.00003; gnomAD 0.00006 and 0.00008; ESP Exome Variant Server 0.00008; TOPMed 0.00008; 1000 Genomes Project 30x 0.00047; 1000 Genomes Project 0.00060.
gnomAD v4.1: 58 of 1,614,182 alleles (0.0036%); highest among the groups gnomAD compares: African/African-American, 0.048%; no homozygotes.

Submissions (6):

Dasa
Classification: Uncertain significance for Microcephaly 3, primary, autosomal recessive. Last evaluated: 2025-11-24. Review status: criteria provided, single submitter. Criteria: DASA Assertion Criteria. Collection method: clinical testing. Allele origin: germline.
Comment: NM_018249.6(CDK5RAP2):c.3265T>C (p.Ser1089Pro) is a missense variant that results in the substitution of serine with proline. This variant is rare in population databases. Computational prediction algorithms are consistent with a benign effect. The currently available literature and clinical evidence are not sufficient to establish a definitive association between this variant and the reported condition. Therefore, this variant is classified as a variant of uncertain significance.

Labcorp Genetics (formerly Invitae), Labcorp
Classification: Uncertain significance. Last evaluated: 2024-11-27. Review status: criteria provided, single submitter. Criteria: Invitae Variant Classification Sherloc (09022015). Collection method: clinical testing. Allele origin: germline.
Comment: This sequence change replaces serine, which is neutral and polar, with proline, which is neutral and non-polar, at codon 1089 of the CDK5RAP2 protein (p.Ser1089Pro). This variant is present in population databases (rs138526640, gnomAD 0.03%). This variant has not been reported in the literature in individuals affected with CDK5RAP2-related conditions. ClinVar contains an entry for this variant (Variation ID: 364757). An algorithm developed to predict the effect of missense changes on protein structure and function outputs the following: PolyPhen-2: "Probably Damaging". The proline amino acid residue is found in multiple mammalian species, which suggests that this missense change does not adversely affect protein function. In summary, the available evidence is currently insufficient to determine the role of this variant in disease. Therefore, it has been classified as a Variant of Uncertain Significance.

CeGaT Center for Human Genetics Tuebingen
Classification: Uncertain significance. Last evaluated: 2024-07-01. Review status: criteria provided, single submitter. Criteria: CeGaT Center For Human Genetics Tuebingen Variant Classification Criteria Version 2. Collection method: clinical testing. Allele origin: germline. Affected: yes. Observed: 1 variant allele.
Comment: CDK5RAP2: PM2:Supporting, BP4

Ambry Genetics
Classification: Uncertain significance for Inborn genetic diseases. Last evaluated: 2021-10-22. Review status: criteria provided, single submitter. Criteria: Ambry Variant Classification Scheme 2023. Collection method: clinical testing. Allele origin: germline.

Illumina Laboratory Services, Illumina
Classification: Uncertain significance for Microcephaly 3, primary, autosomal recessive. Last evaluated: 2018-01-13. Review status: criteria provided, single submitter. Criteria: ICSL Variant Classification Criteria 13 December 2019. Collection method: clinical testing. Allele origin: germline.

Breakthrough Genomics
Classification: Uncertain significance. Review status: criteria provided, single submitter. Criteria: ACMG Guidelines, 2015. Collection method: not provided. Allele origin: germline. Inheritance: Autosomal recessive inheritance. Affected: yes.

NM_018249.6(CDK5RAP2):c.3265T>C (p.Ser1089Pro)

Gene: CDK5RAP2 (CDK5 regulatory subunit associated protein 2; minus strand). Cytogenetic location: 9q33.2.
Variant type: single nucleotide variant.
Coding change: c.3265T>C on transcript NM_018249.6 (MANE Select); coding-DNA position 3265, T replaced by C.
Protein change: p.Ser1089Pro; replaces serine 1089 with proline.
Molecular consequence: missense variant. On other transcripts: non-coding transcript variant (5).
Genome position (GRCh38, 1-based): chr9:120,439,856, A>G on the plus strand (T>C on the coding strand, the complement: CDK5RAP2 is on the minus strand). VCF-style: chr9-120439856-A-G. GRCh37 (hg19) VCF-style: chr9-123202134-A-G.
Other names: c.3265T>C, p.Ser1089Pro (NM_001011649.3); c.2575T>C, p.Ser859Pro (NM_001272039.2); c.3265T>C (NM_018249.4); short protein forms S1089P, S859P.
Identifiers: ClinVar variation 364757 (VCV000364757.28), dbSNP rs138526640, ClinGen allele CA5213854.
Genomic context (GRCh38, chr9:120,439,856, plus strand): 5'-TCTCATTTGAGGTATTAATGCTCTCTGACTGATCAGTCCCCATCACACTGACTTTAGCAG[A>G]AGGCTGACTCTTGGAACTCAGGTAAGTAGCTACTGAAGTTGGGCTCAGAACATCTTCAGG-3'
Protein context (NP_060719.4, residues 1079-1099): ATYLSSKSQP[Ser1089Pro]AKVSVMGTDQ